The following is an entry in ClinVar:

NM_000539.3(RHO):c.124G>A (p.Ala42Thr)

Gene: RHO (rhodopsin; plus strand). Cytogenetic location: 3q22.1.
Variant type: single nucleotide variant.
Coding change: c.124G>A on transcript NM_000539.3 (MANE Select); coding-DNA position 124, G replaced by A.
Protein change: p.Ala42Thr; replaces alanine 42 with threonine.
Molecular consequence: missense variant.
Genome position (GRCh38, 1-based): chr3:129,528,857, G>A. VCF-style: chr3-129528857-G-A. GRCh37 (hg19) VCF-style: chr3-129247700-G-A.
Other names: short protein forms A42T.
Identifiers: ClinVar variation 1384759 (VCV001384759.11), dbSNP rs538820015, ClinGen allele CA2607065.

ClinVar aggregate classification (germline): Conflicting classifications of pathogenicity. Review status: criteria provided, conflicting classifications (1 of 4 stars). 5 submissions from 5 submitters: Uncertain significance (3); Benign (1). 1 of the submissions does not count toward it. Last evaluated 2025-02-12.

Conditions:
Retinal dystrophy. Also called: Inherited retinal dystrophy. Identifiers: Orphanet 71862, MedGen C0854723, MeSH D058499, MONDO:0019118, HP:0000556.
RHO-related disorder. Also called: RHO-related condition.

Allele frequency attached by ClinVar (database versions not stated): ExAC 0.00001; gnomAD 0.00001; gnomAD exomes 0.00001 and 0.00002; TOPMed 0.00002.
gnomAD v4.1: 23 of 1,614,224 alleles (0.0014%); highest among the groups gnomAD compares: South Asian, 0.0066%; no homozygotes.

Submissions (5):

PreventionGenetics, part of Exact Sciences
Classification: Uncertain significance for RHO-related condition. Last evaluated: 2025-02-12. Review status: criteria provided, single submitter. Criteria: ACMG Guidelines, 2015. Collection method: clinical testing. Allele origin: germline.
Comment: The RHO c.124G>A variant is predicted to result in the amino acid substitution p.Ala42Thr. To our knowledge, this variant has not been reported in the literature in association with disease. This variant is reported in 0.0062% of alleles in individuals of African descent in gnomAD. At this time, the clinical significance of this variant is uncertain due to the absence of conclusive functional and genetic evidence.

Labcorp Genetics (formerly Invitae), Labcorp
Classification: Uncertain significance. Last evaluated: 2023-10-14. Review status: criteria provided, single submitter. Criteria: Invitae Variant Classification Sherloc (09022015). Collection method: clinical testing. Allele origin: germline.
Comment: This sequence change replaces alanine, which is neutral and non-polar, with threonine, which is neutral and polar, at codon 42 of the RHO protein (p.Ala42Thr). This variant is present in population databases (rs538820015, gnomAD 0.007%). This variant has not been reported in the literature in individuals affected with RHO-related conditions. ClinVar contains an entry for this variant (Variation ID: 1384759). Advanced modeling of protein sequence and biophysical properties (such as structural, functional, and spatial information, amino acid conservation, physicochemical variation, residue mobility, and thermodynamic stability) performed at Invitae indicates that this missense variant is not expected to disrupt RHO protein function. In summary, the available evidence is currently insufficient to determine the role of this variant in disease. Therefore, it has been classified as a Variant of Uncertain Significance.

Dept Of Ophthalmology, Nagoya University
Classification: Benign for Retinal dystrophy. Last evaluated: 2023-10-01. Review status: criteria provided, single submitter. Criteria: Submitter's publication. Collection method: research. Allele origin: germline. Affected: yes.

Blueprint Genetics
Classification: Uncertain significance. Last evaluated: 2022-02-22. Review status: criteria provided, single submitter. Criteria: ACMG Guidelines, 2015. Collection method: clinical testing. Allele origin: germline.

Institute of Human Genetics, Univ. Regensburg, Univ. Regensburg
Classification: Uncertain significance for Retinal dystrophy. Last evaluated: 2022-01-01. Review status: no assertion criteria provided. Criteria: ACMG Guidelines, 2015. Collection method: clinical testing. Allele origin: germline. Affected: yes. Not counted in ClinVar's aggregate classification.